The following is an entry in ClinVar:

ClinVar aggregate classification (germline): Uncertain significance (1 of 4 stars; one submission).

Conditions:
Complement component 3 deficiency. Identifiers: Orphanet 280133, MedGen C3151071, MONDO:0013417, OMIM 613779.
C3 glomerulonephritis. Also called: Nephropathy due to CFHR5 Deficiency; C3 GLOMERULOPATHY 3. Identifiers: Orphanet 329931, MedGen C4055342, MONDO:0013892, OMIM 614809.
Atypical hemolytic-uremic syndrome. Identifiers: Orphanet 2134, MedGen C2931788, MONDO:0016244.

Submission:

Genomenon, Inc
Classification: Uncertain significance for Complement component 3 deficiency; C3 glomerulonephritis; Atypical hemolytic-uremic syndrome. Last evaluated: 2025-09-30. Review status: criteria provided, single submitter. Criteria: Genomenon Sequence Variant Interpretation Standards. Collection method: curation. Allele origin: germline. Affected: no.
Comment: C3 p.Glu294Ala (c.881A>C) is a missense variant that changes the amino acid at residue 294 from Glutamic acid to Alanine. This variant has been reported in the published literature (PMID:28254726). It is absent or not present at a significant frequency in gnomAD. In silico models agree that this variant is not damaging. In conclusion, we classify C3 p.Glu294Ala (c.881A>C) as a variant of unknown significance.

Literature cited by the submitters: PubMed 28254726.

NM_000064.4(C3):c.881A>C (p.Glu294Ala)

Gene: C3 (complement C3; minus strand). Cytogenetic location: 19p13.3.
Variant type: single nucleotide variant.
Coding change: c.881A>C on transcript NM_000064.4 (MANE Select); coding-DNA position 881, A replaced by C.
Protein change: p.Glu294Ala; replaces glutamic acid 294 with alanine.
Molecular consequence: missense variant.
Genome position (GRCh38, 1-based): chr19:6,713,311, T>G on the plus strand (A>C on the coding strand, the complement: C3 is on the minus strand). VCF-style: chr19-6713311-T-G. GRCh37 (hg19) VCF-style: chr19-6713322-T-G.
Other names: short protein forms E294A.
Identifiers: ClinVar variation 4280277 (VCV004280277.1).
Genomic context (GRCh38, chr19:6,713,311, plus strand): 5'-GGGTTCTGCACCCCGTCCAGCAGTACCTTCCGGCTCAGCACAACCTCCCCCGAGCCATCC[T>G]CAATCTGAGAAGGGAGAGGAGGGCTCAGAGAGGGGAGCGGGCTCAGAGGTGGCGGGGACT-3'
Protein context (NP_000055.2, residues 284-304): LPESLKRIPI[Glu294Ala]DGSGEVVLSR